The following is an entry in ClinVar:

ClinVar aggregate classification (germline): Benign. Review status: criteria provided, multiple submitters, no conflicts (2 of 4 stars). 3 submissions from 2 submitters: Benign (3). Last evaluated 2018-01-13.

Conditions:
Orofacial cleft 6, susceptibility to (OFC6). Also called: CLEFT LIP WITH OR WITHOUT CLEFT PALATE, NONSYNDROMIC, 6. Identifiers: MedGen C1837213, MONDO:0012141, OMIM 608864.
Van der Woude syndrome 1. Also called: CLEFT LIP AND/OR PALATE WITH MUCOUS CYSTS OF LOWER LIP; van der Woude Syndrome (VWS). Identifiers: MedGen C4551864, MONDO:0007333, OMIM 119300.

Allele frequency attached by ClinVar (database versions not stated): 1000 Genomes Project 0.08746; 1000 Genomes Project 30x 0.08760; TOPMed 0.10020; gnomAD 0.10461 and 0.10684; gnomAD exomes 0.12116.

Submissions (3):

Illumina Laboratory Services, Illumina
Classification: Benign for Van der Woude syndrome 1. Last evaluated: 2018-01-13. Review status: criteria provided, single submitter. Criteria: ICSL Variant Classification Criteria 13 December 2019. Collection method: clinical testing. Allele origin: germline.
Comment: This variant was observed in the ICSL laboratory as part of a predisposition screen in an ostensibly healthy population. It had not been previously curated by ICSL or reported in the Human Gene Mutation Database (HGMD: prior to June 1st, 2018), and was therefore a candidate for classification through an automated scoring system. Utilizing variant allele frequency, disease prevalence and penetrance estimates, and inheritance mode, an automated score was calculated to assess if this variant is too frequent to cause the disease. Based on the score and internal cut-off values, a variant classified as benign is not then subjected to further curation. The score for this variant resulted in a classification of benign for this disease.

Illumina Laboratory Services, Illumina
Classification: Benign for Orofacial cleft 6, susceptibility to. Last evaluated: 2018-01-13. Review status: criteria provided, single submitter. Criteria: ICSL Variant Classification Criteria 13 December 2019. Collection method: clinical testing. Allele origin: germline.
Comment: the same text as in the submission from Illumina Laboratory Services, Illumina above.

Breakthrough Genomics
Classification: Benign. Review status: criteria provided, single submitter. Criteria: ACMG Guidelines, 2015. Collection method: not provided. Allele origin: germline. Inheritance: Autosomal dominant inheritance. Affected: yes.

NM_006147.4(IRF6):c.*451A>G

Gene: IRF6 (interferon regulatory factor 6; minus strand). Cytogenetic location: 1q32.2.
Variant type: single nucleotide variant.
Coding change: c.*451A>G on transcript NM_006147.4 (MANE Select); 451 bases downstream of the stop codon, A replaced by G.
Molecular consequence: 3 prime UTR variant.
Genome position (GRCh38, 1-based): chr1:209,787,969, T>C on the plus strand (A>G on the coding strand, the complement: IRF6 is on the minus strand). VCF-style: chr1-209787969-T-C. GRCh37 (hg19) VCF-style: chr1-209961314-T-C.
Other names: c.*451A>G (NM_001206696.2).
Identifiers: ClinVar variation 295199 (VCV000295199.6), dbSNP rs17317411, ClinGen allele CA10609683.